The following is an entry in ClinVar:

ClinVar aggregate classification (germline): Likely pathogenic (1 of 4 stars; one submission).

Conditions:
Autosomal recessive limb-girdle muscular dystrophy. Identifiers: Orphanet 102015, MedGen C2931907, MONDO:0015152.

gnomAD v4.1: 1 of 1,611,132 alleles (0.000062%); highest among the groups gnomAD compares: African/African-American, 0.0013%; no homozygotes.

Submission:

Myriad Genetics, Inc.
Classification: Likely pathogenic for Autosomal recessive limb-girdle muscular dystrophy. Last evaluated: 2026-04-09. Review status: criteria provided, single submitter. Criteria: Myriad Autosomal Dominant, Autosomal Recessive and X-Linked Classification Criteria (2023). Collection method: clinical testing. Allele origin: unknown.
Comment: NM_003494.3(DYSF):c.5429+2T>C is a variant in a canonical splice site classified as likely pathogenic in the context of dysferlinopathy. c.5429+2T>C has not been observed in cases with relevant disease. Relevant functional assessments of this variant are not available in the literature. c.5429+2T>C has not been observed in referenced population frequency databases. In summary, NM_003494.3(DYSF):c.5429+2T>C is a variant in a canonical splice site in a gene where loss of function is a known mechanism of disease and is predicted to disrupt protein function. Please note: this variant was assessed in the context of healthy population screening.

NM_001130987.2(DYSF):c.5546+2T>C

Gene: DYSF (dysferlin; plus strand). Cytogenetic location: 2p13.2.
Variant type: single nucleotide variant.
Coding change: c.5546+2T>C on transcript NM_001130987.2 (MANE Select); the canonical splice donor site of the intron after coding-DNA position 5546, T replaced by C.
Molecular consequence: splice donor variant.
Genome position (GRCh38, 1-based): chr2:71,668,844, T>C. VCF-style: chr2-71668844-T-C. GRCh37 (hg19) VCF-style: chr2-71895974-T-C.
Other names: c.5522+2T>C (NM_001130979.2); c.5543+2T>C (NM_001130981.2); c.5480+2T>C (NM_001130980.2); c.5492+2T>C (NM_001130978.2); c.5429+2T>C (NM_003494.4); c.5450+2T>C (NM_001130977.2); c.5387+2T>C (NM_001130976.2); c.5525+2T>C (NM_001130982.2); and 5 more.
Identifiers: ClinVar variation 5004593 (VCV005004593.1).